The following is an entry in ClinVar:

ClinVar aggregate classification (germline): Likely pathogenic. Review status: criteria provided, multiple submitters, no conflicts (2 of 4 stars). 2 submissions from 2 submitters: Likely pathogenic (2). Last evaluated 2024-12-18.

Conditions:
Inborn genetic diseases. Identifiers: MedGen C0950123, MeSH D030342.

Submissions (2):

Ambry Genetics
Classification: Likely pathogenic for Inborn genetic diseases. Last evaluated: 2024-12-18. Review status: criteria provided, single submitter. Criteria: Ambry Variant Classification Scheme 2023. Collection method: clinical testing. Allele origin: germline.
Comment: The c.3207-2A>G intronic variant results from a A to G substitution two nucleotides before coding exon 15 of the LRP6 gene. Alterations that disrupt the canonical splice site are expected to cause aberrant splicing, resulting in an abnormal protein or a transcript that is subject to nonsense-mediated mRNA decay. This variant was not reported in population-based cohorts in the Genome Aggregation Database (gnomAD). This nucleotide position is highly conserved in available vertebrate species. In silico splice site analysis predicts that this alteration will weaken the native splice acceptor site and will result in the creation or strengthening of a novel splice acceptor site. Based on the available evidence, this alteration is classified as likely pathogenic.

Labcorp Genetics (formerly Invitae), Labcorp
Classification: Likely pathogenic. Last evaluated: 2022-06-30. Review status: criteria provided, single submitter. Criteria: Invitae Variant Classification Sherloc (09022015). Collection method: clinical testing. Allele origin: germline.
Comment: This sequence change affects an acceptor splice site in intron 14 of the LRP6 gene. It is expected to disrupt RNA splicing. Variants that disrupt the donor or acceptor splice site typically lead to a loss of protein function (PMID: 16199547), and loss-of-function variants in LRP6 are known to be pathogenic (PMID: 26387593). This variant is not present in population databases (gnomAD no frequency). This variant has not been reported in the literature in individuals affected with LRP6-related conditions. Algorithms developed to predict the effect of sequence changes on RNA splicing suggest that this variant may disrupt the consensus splice site. In summary, the currently available evidence indicates that the variant is pathogenic, but additional data are needed to prove that conclusively. Therefore, this variant has been classified as Likely Pathogenic.

Literature cited by the submitters: PubMed 16199547 (cited by Labcorp Genetics (formerly Invitae), Labcorp); PubMed 26387593 (cited by Labcorp Genetics (formerly Invitae), Labcorp).

NM_002336.3(LRP6):c.3207-2A>G

Gene: LRP6 (LDL receptor related protein 6; minus strand). Cytogenetic location: 12p13.2.
Variant type: single nucleotide variant.
Coding change: c.3207-2A>G on transcript NM_002336.3 (MANE Select); the canonical splice acceptor site of the intron before coding-DNA position 3207, A replaced by G.
Molecular consequence: splice acceptor variant.
Genome position (GRCh38, 1-based): chr12:12,147,558, T>C on the plus strand (A>G on the coding strand, the complement: LRP6 is on the minus strand). VCF-style: chr12-12147558-T-C. GRCh37 (hg19) VCF-style: chr12-12300492-T-C.
Other names: c.3207-2A>G (NM_002336.2, NM_001414245.1, NM_001414251.1 and 5 more transcripts); c.2754-2A>G (NM_001414253.1, NM_001414252.1, NM_001414254.1); c.3009-2A>G (NM_001414247.1); c.2700-2A>G (NM_001414255.1).
Identifiers: ClinVar variation 2012522 (VCV002012522.5), dbSNP rs2498744424, ClinGen allele CA383941079.
Genomic context (GRCh38, chr12:12,147,558, plus strand): 5'-CCAAAGCAGCCCGTTCAATTTTAGGAGACCTTTCCTGAAGATTGGTAAAATACATATACC[T>C]AGAGGGAAAGGAGGAAAAAAATAAGTTACTGGAGTAAGAAACCACATAAAATGAGGATAT-3'